The following is an entry in ClinVar:

NM_015721.3(GEMIN4):c.3068G>A (p.Ser1023Asn)

Gene: GEMIN4 (gem nuclear organelle associated protein 4; minus strand). Cytogenetic location: 17p13.3.
Variant type: single nucleotide variant.
Coding change: c.3068G>A on transcript NM_015721.3 (MANE Select); coding-DNA position 3068, G replaced by A.
Protein change: p.Ser1023Asn; replaces serine 1023 with asparagine.
Molecular consequence: missense variant.
Genome position (GRCh38, 1-based): chr17:744,975, C>T on the plus strand (G>A on the coding strand, the complement: GEMIN4 is on the minus strand). VCF-style: chr17-744975-C-T. GRCh37 (hg19) VCF-style: chr17-648215-C-T.
Other names: short protein forms S1023N.
Identifiers: ClinVar variation 2221084 (VCV002221084.30), dbSNP rs200379895, ClinGen allele CA8262302.

ClinVar aggregate classification (germline): Conflicting classifications of pathogenicity. Review status: criteria provided, conflicting classifications (1 of 4 stars). 3 submissions from 3 submitters: Uncertain significance (2); Likely benign (1). Last evaluated 2025-10-01.

Conditions:
Neurodevelopmental disorder with microcephaly, cataracts, and renal abnormalities. Identifiers: MedGen C4693567, MONDO:0060664, OMIM 617913.

Allele frequency attached by ClinVar (database versions not stated): 1000 Genomes Project 30x 0.00016; 1000 Genomes Project 0.00020; gnomAD 0.00021; ESP Exome Variant Server 0.00024; TOPMed 0.00026; gnomAD exomes 0.00031; ExAC 0.00033.
gnomAD v4.1: 476 of 1,613,942 alleles (0.029%); highest among the groups gnomAD compares: Non-Finnish European, 0.038%; no homozygotes.

Submissions (3):

CeGaT Center for Human Genetics Tuebingen
Classification: Likely benign. Last evaluated: 2025-10-01. Review status: criteria provided, single submitter. Criteria: CeGaT Center For Human Genetics Tuebingen Variant Classification Criteria Version 2. Collection method: clinical testing. Allele origin: germline. Affected: yes. Observed: 2 variant alleles.
Comment: GEMIN4: BP4

Ambry Genetics
Classification: Uncertain significance. Last evaluated: 2024-12-02. Review status: criteria provided, single submitter. Criteria: Ambry Variant Classification Scheme 2023. Collection method: clinical testing. Allele origin: germline.

Revvity Omics, Revvity
Classification: Uncertain significance for Neurodevelopmental disorder with microcephaly, cataracts, and renal abnormalities. Last evaluated: 2019-07-19. Review status: criteria provided, single submitter. Criteria: ACMG Guidelines, 2015. Collection method: clinical testing. Allele origin: germline.